The following is an entry in ClinVar:

NM_182925.5(FLT4):c.58+5G>A

Gene: FLT4 (fms related receptor tyrosine kinase 4; minus strand). Cytogenetic location: 5q35.3.
Variant type: single nucleotide variant.
Coding change: c.58+5G>A on transcript NM_182925.5 (MANE Select); 5 bases into the intron after coding-DNA position 58, G replaced by A.
Molecular consequence: intron variant.
Genome position (GRCh38, 1-based): chr5:180,649,483, C>T on the plus strand (G>A on the coding strand, the complement: FLT4 is on the minus strand). VCF-style: chr5-180649483-C-T. GRCh37 (hg19) VCF-style: chr5-180076483-C-T.
Other names: c.58+5G>A (NM_001354989.2, NM_002020.5).
Identifiers: ClinVar variation 4991089 (VCV004991089.1).

ClinVar aggregate classification (germline): Uncertain significance (1 of 4 stars; one submission).

Conditions:
FLT4-related disorder. Also called: FLT4-related condition.

Submission:

PreventionGenetics, part of Exact Sciences
Classification: Uncertain significance for FLT4-related condition. Last evaluated: 2025-08-25. Review status: criteria provided, single submitter. Criteria: ACMG Guidelines, 2015. Collection method: clinical testing. Allele origin: germline.
Comment: The FLT4 c.58+5G>A variant is predicted to interfere with splicing. This variant is predicted to alter splicing based on available splicing prediction programs (SpliceAI, Jaganathan et al. 2019. PubMed ID: 30661751). However, the use of computer prediction programs is not equivalent to functional evidence. To our knowledge, this variant has not been reported in the literature or in a large population database (gnomAD), indicating this variant is rare. At this time, the clinical significance of this variant is uncertain due to the absence of conclusive functional and genetic evidence.